The following is an entry in ClinVar:

NM_003000.3(SDHB):c.424-6dup

Gene: SDHB (succinate dehydrogenase complex iron sulfur subunit B; minus strand). Cytogenetic location: 1p36.13.
Variant type: Duplication.
Coding change: c.424-6dup on transcript NM_003000.3 (MANE Select); 6 bases into the intron before coding-DNA position 424, one base duplicated (C; older notation c.424-6dupC).
Molecular consequence: intron variant.
Genome position (GRCh38, 1-based): chr1:17,027,870, G duplicated on the plus strand (C on the coding strand, the reverse complement: SDHB is on the minus strand); the first of 2 consecutive G bases (chr1:17,027,870-17,027,871); duplicating either gives the same sequence. VCF-style (leftmost placement, unchanged base first): chr1-17027869-T-TG. GRCh37 (hg19) VCF-style: chr1-17354364-T-TG.
Other names: c.424-5dupC (NM_003000.2).
Identifiers: ClinVar variation 1083331 (VCV001083331.10), dbSNP rs2101521941, ClinGen allele CA2499214302.

ClinVar aggregate classification (germline): Conflicting classifications of pathogenicity. Review status: criteria provided, conflicting classifications (1 of 4 stars). 3 submissions from 3 submitters: Uncertain significance (1); Likely benign (2). Last evaluated 2025-03-12.

Conditions:
Pheochromocytoma. Also called: MAX-Related Hereditary Paraganglioma-Pheochromocytoma Syndrome. Identifiers: Orphanet 29072, MedGen C0031511, MONDO:0008233, OMIM 171300, HP:0002666.
Gastrointestinal stromal tumor. Also called: Gastrointestinal stroma tumor; Gastrointestinal stromal tumor, somatic. Identifiers: Orphanet 44890, MedGen C0238198, MeSH D046152, MONDO:0011719, OMIM 606764, HP:0100723.
Pheochromocytoma/paraganglioma syndrome 4. Also called: SDHB-Related Hereditary Paraganglioma-Pheochromocytoma Syndrome (Paragangliomas 4); SDHB-Related Hereditary Paraganglioma-Pheochromocytoma Syndrome; CAROTID BODY TUMORS AND MULTIPLE EXTRAADRENAL PHEOCHROMOCYTOMAS; PARAGANGLIOMA, FAMILIAL MALIGNANT; PARAGANGLIOMAS, HEREDITARY EXTRAADRENAL; PHEOCHROMOCYTOMA, FAMILIAL EXTRAADRENAL. Identifiers: Orphanet 29072, MedGen C1861848, MONDO:0007273, OMIM 115310.
Hereditary cancer-predisposing syndrome. Also called: Neoplastic Syndromes, Hereditary; Hereditary Cancer Syndrome; Hereditary neoplastic syndrome; Tumor predisposition. Identifiers: Orphanet 140162, MedGen C0027672, MeSH D009386, MONDO:0015356.

Submissions (3):

Myriad Genetics, Inc.
Classification: Likely benign for Pheochromocytoma/paraganglioma syndrome 4. Last evaluated: 2025-03-12. Review status: criteria provided, single submitter. Criteria: Myriad Autosomal Dominant, Autosomal Recessive and X-Linked Classification Criteria (2023). Collection method: clinical testing. Allele origin: unknown.
Comment: This variant is considered likely benign. This variant is intronic and is not expected to impact mRNA splicing.

Labcorp Genetics (formerly Invitae), Labcorp
Classification: Likely benign for Gastrointestinal stromal tumor; Pheochromocytoma/paraganglioma syndrome 4; Pheochromocytoma. Last evaluated: 2024-04-04. Review status: criteria provided, single submitter. Criteria: Invitae Variant Classification Sherloc (09022015). Collection method: clinical testing. Allele origin: germline.

Ambry Genetics
Classification: Uncertain significance for Hereditary cancer-predisposing syndrome. Last evaluated: 2023-03-07. Review status: criteria provided, single submitter. Criteria: Ambry Variant Classification Scheme 2023. Collection method: clinical testing. Allele origin: germline.
Comment: The c.424-5dupC intronic variant is located 5 nucleotides before coding exon 5 of the SDHB gene. This variant results from a duplication of one nucleotide at position c.424-5. This nucleotide position is poorly conserved in available vertebrate species. In silico splice site analysis predicts that this alteration will not have any significant effect on splicing. Since supporting evidence is limited at this time, the clinical significance of this alteration remains unclear.